The following is an entry in ClinVar:

NM_006941.4(SOX10):c.882G>A (p.Val294=)

Genes: POLR2F (RNA polymerase II, I and III subunit F; plus strand), SOX10 (SRY-box transcription factor 10; minus strand). Cytogenetic location: 22q13.1.
Variant type: single nucleotide variant.
Coding change: c.882G>A on transcript NM_006941.4 (MANE Select); coding-DNA position 882, G replaced by A.
Protein change: p.Val294=; no amino-acid change (valine 294 retained).
Molecular consequence: synonymous variant. On other transcripts: intron variant (3).
Genome position (GRCh38, 1-based): chr22:37,974,014, C>T on the plus strand (G>A on the coding strand, the complement: SOX10 is on the minus strand). VCF-style: chr22-37974014-C-T. GRCh37 (hg19) VCF-style: chr22-38370021-C-T.
Other names: c.*38+1704C>T (NM_001363825.1); c.293+6844C>T (NM_001301130.2, NM_001301131.2).
Identifiers: ClinVar variation 3029427 (VCV003029427.2), dbSNP rs1338276256, ClinGen allele CA514776862.

ClinVar aggregate classification (germline): Likely benign (0 of 4 stars; one submission).

Conditions:
SOX10-related disorder. Also called: SOX10-related condition.

Allele frequency attached by ClinVar (database versions not stated): gnomAD exomes below 0.00001; TOPMed below 0.00001.
gnomAD v4.1: 2 of 1,613,692 alleles (0.00012%); highest among the groups gnomAD compares: African/African-American, 0.0013%; no homozygotes.

Submission:

PreventionGenetics, part of Exact Sciences
Classification: Likely benign for SOX10-related condition. Last evaluated: 2023-08-27. Review status: no assertion criteria provided. Collection method: clinical testing. Allele origin: germline.
Comment: This variant is classified as likely benign based on ACMG/AMP sequence variant interpretation guidelines (Richards et al. 2015 PMID: 25741868, with internal and published modifications).